The following is an entry in ClinVar:

NM_144573.4(NEXN):c.219+5T>G

Gene: NEXN (nexilin F-actin binding protein; plus strand). Cytogenetic location: 1p31.1.
Variant type: single nucleotide variant.
Coding change: c.219+5T>G on transcript NM_144573.4 (MANE Select); 5 bases into the intron after coding-DNA position 219, T replaced by G.
Molecular consequence: intron variant.
Genome position (GRCh38, 1-based): chr1:77,917,762, T>G. VCF-style: chr1-77917762-T-G. GRCh37 (hg19) VCF-style: chr1-78383447-T-G.
Other names: c.28-198T>G (NM_001172309.2); c.219+5T>G (NM_144573.3).
Identifiers: ClinVar variation 1422981 (VCV001422981.6), dbSNP rs1414299806, ClinGen allele CA739076682.

ClinVar aggregate classification (germline): Uncertain significance. Review status: criteria provided, multiple submitters, no conflicts (2 of 4 stars). 2 submissions from 2 submitters: Uncertain significance (2). Last evaluated 2025-06-12.

Conditions:
Dilated cardiomyopathy 1CC (CMD1CC). Identifiers: Orphanet 154, MedGen C2751084, MONDO:0013147, OMIM 613122.
Hypertrophic cardiomyopathy 20. Identifiers: MedGen C3151267, MONDO:0013477, OMIM 613876.
Cardiovascular phenotype. Identifiers: MedGen CN230736.

Allele frequency attached by ClinVar (database versions not stated): gnomAD 0.00001; TOPMed 0.00002.
gnomAD v4.1: 11 of 1,598,314 alleles (0.00069%); highest among the groups gnomAD compares: Middle Eastern, 0.017%; no homozygotes.

Submissions (2):

Ambry Genetics
Classification: Uncertain significance for Cardiovascular phenotype. Last evaluated: 2025-06-12. Review status: criteria provided, single submitter. Criteria: Ambry Variant Classification Scheme 2023. Collection method: clinical testing. Allele origin: germline.
Comment: The c.219+5T>G intronic variant results from a T to G substitution 5 nucleotides after coding exon 2 in the NEXN gene. This nucleotide position is well conserved in available vertebrate species. In silico splice site analysis predicts that this alteration will not have any significant effect on splicing. Based on the available evidence, the clinical significance of this variant remains unclear.

Labcorp Genetics (formerly Invitae), Labcorp
Classification: Uncertain significance for Dilated cardiomyopathy 1CC; Hypertrophic cardiomyopathy 20. Last evaluated: 2024-02-05. Review status: criteria provided, single submitter. Criteria: Invitae Variant Classification Sherloc (09022015). Collection method: clinical testing. Allele origin: germline.
Comment: This sequence change falls in intron 3 of the NEXN gene. It does not directly change the encoded amino acid sequence of the NEXN protein. It affects a nucleotide within the consensus splice site. This variant is not present in population databases (gnomAD no frequency). This variant has not been reported in the literature in individuals affected with NEXN-related conditions. ClinVar contains an entry for this variant (Variation ID: 1422981). Variants that disrupt the consensus splice site are a relatively common cause of aberrant splicing (PMID: 17576681, 9536098). Algorithms developed to predict the effect of sequence changes on RNA splicing suggest that this variant is not likely to affect RNA splicing. In summary, the available evidence is currently insufficient to determine the role of this variant in disease. Therefore, it has been classified as a Variant of Uncertain Significance.

Literature cited by the submitters: PubMed 17576681 (cited by Labcorp Genetics (formerly Invitae), Labcorp); PubMed 9536098 (cited by Labcorp Genetics (formerly Invitae), Labcorp).